The following is an entry in ClinVar:

NM_000551.4(VHL):c.263G>A (p.Trp88Ter)

Gene: VHL (von Hippel-Lindau tumor suppressor; plus strand). Cytogenetic location: 3p25.3.
Variant type: single nucleotide variant.
Coding change: c.263G>A on transcript NM_000551.4 (MANE Select); coding-DNA position 263, G replaced by A.
Protein change: p.Trp88Ter; replaces tryptophan 88 with a stop codon.
Molecular consequence: nonsense.
Genome position (GRCh38, 1-based): chr3:10,142,110, G>A. VCF-style: chr3-10142110-G-A. GRCh37 (hg19) VCF-style: chr3-10183794-G-A.
Other names: p.W88*:TGG>TAG; NM_000551.4(VHL):c.263G>A; p.Trp88Ter; c.263G>A, p.Trp88Ter (NM_001354723.2, NM_198156.3); short protein forms W88*.
Identifiers: ClinVar variation 182978 (VCV000182978.20), dbSNP rs119103277, ClinGen allele CA020197.

ClinVar aggregate classification (germline): Pathogenic. Review status: reviewed by expert panel (3 of 4 stars). 8 submissions from 8 submitters: Pathogenic (1). 7 of the submissions do not count toward it. Last evaluated 2024-06-25.

Conditions:
Von Hippel-Lindau syndrome (VHLS). Also called: VHL syndrome; Von Hippel-Lindau; von Hippel–Lindau syndrome. Identifiers: Orphanet 892, MedGen C0019562, MONDO:0008667, OMIM 193300. Disease mechanism: loss of function.
Chuvash polycythemia. Also called: POLYCYTHEMIA, VHL-DEPENDENT. Identifiers: Orphanet 238557, MedGen C1837915, MONDO:0009892, OMIM 263400.
Hereditary cancer-predisposing syndrome. Also called: Tumor predisposition; Hereditary Cancer Syndrome; Hereditary neoplastic syndrome; Neoplastic Syndromes, Hereditary. Identifiers: Orphanet 140162, MedGen C0027672, MeSH D009386, MONDO:0015356.

Submissions (8):

ClinGen VHL Variant Curation Expert Panel, ClinGen
Classification: Pathogenic for Von Hippel-Lindau syndrome. Last evaluated: 2024-06-25. Review status: reviewed by expert panel. Criteria: ClinGen VHL VCEP ACMG Specifications VHL V1. Collection method: curation. Allele origin: germline. Inheritance: Autosomal dominant inheritance.
Comment: The variant NM_000551.4(VHL):c.263G>A (p.Trp88Ter) in VHL is a truncating variant. This variant causes a premature stop codon in a biologically-relevant-exon predicted to undergo nonsense mediated decay in a gene in which loss-of-function is an established disease mechanism (PVS1). This variant has been identified in at least 9 unrelated probands (and other related family members not counted within each) all meeting Danish VHL criteria, from literature evaluated in both CIViC and Hypothes.is VHL datasets. CIViC EIDs: 8292;7606;5776;9374;6806;6538. This corresponds to Strong evidence (5-15 probands) (PS4). This variant is absent from gnomAD v4.1.0 (PM2_Supporting). In summary, this variant meets the criteria to be classified as Pathogenic for autosomal-dominant von Hippel Lindau syndrome (VHL syndrome) based on the ACMG/AMP criteria applied, as specified by the ClinGen VHL VCEP Version 1.0 (Specifications approval date: 02/26/2024. Variant Approval Date 06/25/2024).

Labcorp Genetics (formerly Invitae), Labcorp
Classification: Pathogenic for Von Hippel-Lindau syndrome; Chuvash polycythemia. Last evaluated: 2025-07-27. Review status: criteria provided, single submitter. Criteria: Invitae Variant Classification Sherloc (09022015). Collection method: clinical testing. Allele origin: germline. Not counted in ClinVar's aggregate classification.
Comment: This sequence change creates a premature translational stop signal (p.Trp88*) in the VHL gene. It is expected to result in an absent or disrupted protein product. Loss-of-function variants in VHL are known to be pathogenic (PMID: 8956040, 12202531). This variant is not present in population databases (gnomAD no frequency). This premature translational stop signal has been observed in individual(s) with clinical features of von Hippel–Lindau syndrome (PMID: 10408776, 27527340). ClinVar contains an entry for this variant (Variation ID: 182978). For these reasons, this variant has been classified as Pathogenic.

Molecular Pathology, Peter Maccallum Cancer Centre
Classification: Pathogenic for Von Hippel-Lindau syndrome. Last evaluated: 2025-01-21. Review status: criteria provided, single submitter. Criteria: ACMG Guidelines, 2015. Collection method: clinical testing. Allele origin: germline. Inheritance: Autosomal dominant inheritance. Not counted in ClinVar's aggregate classification.

Myriad Genetics, Inc.
Classification: Pathogenic for Von Hippel-Lindau syndrome. Last evaluated: 2024-12-23. Review status: criteria provided, single submitter. Criteria: Myriad Autosomal Dominant, Autosomal Recessive and X-Linked Classification Criteria (2023). Collection method: clinical testing. Allele origin: unknown. Not counted in ClinVar's aggregate classification.
Comment: This variant is considered pathogenic. This variant creates a termination codon and is predicted to result in premature protein truncation.

GeneDx
Classification: Pathogenic. Last evaluated: 2023-07-05. Review status: criteria provided, single submitter. Criteria: GeneDx Variant Classification Process June 2021. Collection method: clinical testing. Allele origin: germline. Affected: yes. Not counted in ClinVar's aggregate classification.
Comment: Nonsense variant predicted to result in protein truncation or nonsense mediated decay in a gene for which loss-of-function is a known mechanism of disease; Not observed at significant frequency in large population cohorts (gnomAD); Also known as c.476G>A; p.(W159*) and p.(W129*); This variant is associated with the following publications: (PMID: 27527340, 22357542, 28650583, 11058902, 10408776, 24446253, 25027579, 25069792, 20233476, 27617348, 28849724, 32117777, 34847388, 35055428)

Ambry Genetics
Classification: Pathogenic for Hereditary cancer-predisposing syndrome. Last evaluated: 2023-03-28. Review status: criteria provided, single submitter. Criteria: Ambry Variant Classification Scheme 2023. Collection method: clinical testing. Allele origin: germline. Not counted in ClinVar's aggregate classification.
Comment: The p.W88* pathogenic mutation (also known as c.263G>A), located in coding exon 1 of the VHL gene, results from a G to A substitution at nucleotide position 263. This changes the amino acid from a tryptophan to a stop codon within coding exon 1. This mutation has been identified in multiple individuals meeting clinical diagnostic criteria for von Hippel-Lindau disease (Wu P et al. J. Hum. Genet. 2012 Apr; 57(4):238-43). This alteration has been observed in at least one individual with a personal and/or family history that is consistent with VHL-related disease (Ambry internal data). This variant is considered to be rare based on population cohorts in the Genome Aggregation Database (gnomAD). This alteration is expected to result in loss of function by premature protein truncation or nonsense-mediated mRNA decay. As such, this alteration is interpreted as a disease-causing mutation.

Clinical Genomics Labs, University Health Network
Classification: Pathogenic for Von Hippel-Lindau syndrome. Last evaluated: 2021-04-30. Review status: no assertion criteria provided. Criteria: ACMG Guidelines, 2015. Collection method: clinical testing. Allele origin: germline. Affected: yes. Not counted in ClinVar's aggregate classification.

Genomic Diagnostic Laboratory, Division of Genomic Diagnostics, Children's Hospital of Philadelphia
Classification: Pathogenic for Von Hippel-Lindau syndrome. Last evaluated: 2016-02-26. Review status: no assertion criteria provided. Collection method: clinical testing. Allele origin: germline. Affected: yes. Observed: 14 variant alleles. Not counted in ClinVar's aggregate classification.

Literature cited by the submitters: PubMed 8956040 (cited by Labcorp Genetics (formerly Invitae), Labcorp); PubMed 12202531 (cited by Labcorp Genetics (formerly Invitae), Labcorp); PubMed 10408776 (cited by Labcorp Genetics (formerly Invitae), Labcorp); PubMed 27527340 (cited by Labcorp Genetics (formerly Invitae), Labcorp); PubMed 22357542 (cited by Ambry Genetics).